The following is an entry in ClinVar:

ClinVar aggregate classification (germline): Uncertain significance. Review status: criteria provided, multiple submitters, no conflicts (2 of 4 stars). 10 submissions from 9 submitters: Uncertain significance (7). 3 of the submissions do not count toward it. Last evaluated 2025-03-25.

Conditions:
Usher syndrome type 2A. Also called: RETINAL DISEASE IN USHER SYNDROME TYPE IIA, MODIFIER OF; USHER SYNDROME, TYPE IIA. Identifiers: Orphanet 231178, Orphanet 886, MedGen C1848634, MONDO:0010169, OMIM 276901.
Retinitis pigmentosa 39 (RP39). Identifiers: Orphanet 791, MedGen C3151138, MONDO:0013436, OMIM 613809.

Allele frequency attached by ClinVar (database versions not stated): gnomAD 0.00003 and 0.00005; TOPMed 0.00003; 1000 Genomes Project 30x 0.00016; 1000 Genomes Project 0.00020.
gnomAD v4.1: 81 of 1,613,810 alleles (0.005%); highest among the groups gnomAD compares: South Asian, 0.029%; 1 homozygote.

Submissions (10):

Revvity Omics, Revvity
Classification: Uncertain significance. Last evaluated: 2025-03-25. Review status: criteria provided, single submitter. Criteria: ACMG Guidelines, 2015. Collection method: clinical testing. Allele origin: germline.

Blueprint Genetics
Classification: Uncertain significance. Last evaluated: 2024-04-17. Review status: criteria provided, single submitter. Criteria: ACMG Guidelines, 2015. Collection method: clinical testing. Allele origin: germline.

Genome-Nilou Lab
Classification: Uncertain significance for Retinitis pigmentosa 39. Last evaluated: 2023-11-04. Review status: criteria provided, single submitter. Criteria: ACMG Guidelines, 2015. Collection method: clinical testing. Allele origin: germline. Affected: no.

Genome-Nilou Lab
Classification: Uncertain significance for Usher syndrome type 2A. Last evaluated: 2023-11-04. Review status: criteria provided, single submitter. Criteria: ACMG Guidelines, 2015. Collection method: clinical testing. Allele origin: germline. Affected: no.

Labcorp Genetics (formerly Invitae), Labcorp
Classification: Uncertain significance. Last evaluated: 2022-10-25. Review status: criteria provided, single submitter. Criteria: Invitae Variant Classification Sherloc (09022015). Collection method: clinical testing. Allele origin: germline.
Comment: This sequence change replaces arginine, which is basic and polar, with cysteine, which is neutral and slightly polar, at codon 3119 of the USH2A protein (p.Arg3119Cys). This variant is present in population databases (rs576236830, gnomAD 0.03%). This missense change has been observed in individual(s) with Usher syndrome (PMID: 27460420). ClinVar contains an entry for this variant (Variation ID: 558652). Advanced modeling of protein sequence and biophysical properties (such as structural, functional, and spatial information, amino acid conservation, physicochemical variation, residue mobility, and thermodynamic stability) performed at Invitae indicates that this missense variant is not expected to disrupt USH2A protein function. In summary, the available evidence is currently insufficient to determine the role of this variant in disease. Therefore, it has been classified as a Variant of Uncertain Significance.

Fulgent Genetics
Classification: Uncertain significance for Usher syndrome type 2A; Retinitis pigmentosa 39. Last evaluated: 2022-05-13. Review status: criteria provided, single submitter. Criteria: ACMG Guidelines, 2015. Collection method: clinical testing. Allele origin: unknown.

Ocular Genomics Institute, Massachusetts Eye and Ear
Classification: Uncertain significance for Retinitis pigmentosa 39. Last evaluated: 2021-04-08. Review status: criteria provided, single submitter. Criteria: ACMG Guidelines, 2015. Collection method: research. Allele origin: germline. Affected: yes.
Comment: Through a review of available evidence we were able to apply the following criteria: PM2. Based on this evidence we have classified this variant as Variant of Uncertain Significance.

Counsyl
Classification: Uncertain significance for Usher syndrome type 2A; Retinitis pigmentosa 39. Last evaluated: 2018-06-01. Review status: no assertion criteria provided. Collection method: clinical testing. Allele origin: unknown. Not counted in ClinVar's aggregate classification.

Clinical Genetics DNA and cytogenetics Diagnostics Lab, Erasmus MC, Erasmus Medical Center
Classification: Uncertain significance. Review status: no assertion criteria provided. Collection method: clinical testing. Allele origin: germline. Affected: yes. Study: VKGL Data-share Consensus. Not counted in ClinVar's aggregate classification.

Joint Genome Diagnostic Labs from Nijmegen and Maastricht, Radboudumc and MUMC+
Classification: Uncertain significance. Review status: no assertion criteria provided. Collection method: clinical testing. Allele origin: germline. Affected: yes. Study: VKGL Data-share Consensus. Not counted in ClinVar's aggregate classification.

Literature cited by the submitters: PubMed 27460420 (cited by 3 submitters).

NM_206933.4(USH2A):c.9355C>T (p.Arg3119Cys)

Gene: USH2A (usherin; minus strand). Cytogenetic location: 1q41.
Variant type: single nucleotide variant.
Coding change: c.9355C>T on transcript NM_206933.4 (MANE Select); coding-DNA position 9355, C replaced by T.
Protein change: p.Arg3119Cys; replaces arginine 3119 with cysteine.
Molecular consequence: missense variant.
Genome position (GRCh38, 1-based): chr1:215,838,007, G>A on the plus strand (C>T on the coding strand, the complement: USH2A is on the minus strand). VCF-style: chr1-215838007-G-A. GRCh37 (hg19) VCF-style: chr1-216011349-G-A.
Other names: c.9355C>T (NM_206933.3); short protein forms R3119C.
Identifiers: ClinVar variation 558652 (VCV000558652.11), dbSNP rs576236830, ClinGen allele CA1394346.